The following is an entry in ClinVar:

NM_004629.2(FANCG):c.1813C>T (p.Arg605Cys)

Gene: FANCG (FA complementation group G; minus strand). Cytogenetic location: 9p13.3.
Variant type: single nucleotide variant.
Coding change: c.1813C>T on transcript NM_004629.2 (MANE Select); coding-DNA position 1813, C replaced by T.
Protein change: p.Arg605Cys; replaces arginine 605 with cysteine.
Molecular consequence: missense variant.
Genome position (GRCh38, 1-based): chr9:35,074,164, G>A on the plus strand (C>T on the coding strand, the complement: FANCG is on the minus strand). VCF-style: chr9-35074164-G-A. GRCh37 (hg19) VCF-style: chr9-35074161-G-A.
Other names: short protein forms R605C.
Identifiers: ClinVar variation 1710966 (VCV001710966.1), dbSNP rs755275747, ClinGen allele CA5039612.
Genomic context (GRCh38, chr9:35,074,164, plus strand): 5'-GCAGCTACAGGTCACAAGACTTTGGCAGAGATGTCCGAAATTCTTCAAGGAAGGCGTCAC[G>A]ATCAGAGGGACGGATCCAGCTCAAATAGCTTTCTAGGTACAGGGGGAGAGACCTGGAGAG-3'
Protein context (NP_004620.1, residues 595-615): SYLSWIRPSD[Arg605Cys]DAFLEEFRTS

ClinVar aggregate classification (germline): Uncertain significance (1 of 4 stars; one submission).

Conditions:
Fanconi anemia complementation group G. Also called: Fanconi anemia group G; FANCG-Related Fanconi Anemia. Identifiers: Orphanet 84, MedGen C3469527, MONDO:0013565, OMIM 614082.

Allele frequency attached by ClinVar (database versions not stated): gnomAD 0.00001; TOPMed 0.00003.
gnomAD v4.1: 33 of 1,614,108 alleles (0.002%); highest among the groups gnomAD compares: Middle Eastern, 0.016%; no homozygotes.

Submission:

St. Jude Molecular Pathology, St. Jude Children's Research Hospital
Classification: Uncertain significance for Fanconi anemia complementation group G. Last evaluated: 2022-07-18. Review status: criteria provided, single submitter. Criteria: St. Jude Assertion Criteria 2020. Collection method: clinical testing. Allele origin: germline.
Comment: The FANCG c.1813C>T (p.Arg605Cys) missense change has a maximum subpopulation frequency of 0.0018% in gnomAD v2.1.1. It is predicted to have a benign effect on protein function (BP4), but to our knowledge this prediction has not been confirmed by functional studies. To our knowledge, this variant has not been reported in individuals with Fanconi anemia. In summary, the evidence currently available is insufficient to determine the clinical significance of this variant. It has therefore been classified as of uncertain significance.